The following is an entry in ClinVar:

ClinVar aggregate classification (germline): Uncertain significance. Review status: criteria provided, multiple submitters, no conflicts (2 of 4 stars). 2 submissions from 2 submitters: Uncertain significance (2). Last evaluated 2026-07-28.

Conditions:
SEMA3A-related disorder. Also called: SEMA3A-related condition.

Allele frequency attached by ClinVar (database versions not stated): gnomAD exomes below 0.00001; TOPMed below 0.00001.
gnomAD v4.1: 1 of 1,548,014 alleles (0.000065%); highest among the groups gnomAD compares: Admixed American, 0.0021%; no homozygotes.

Submissions (2):

PreventionGenetics, part of Exact Sciences
Classification: Uncertain significance for SEMA3A-related condition. Last evaluated: 2026-07-28. Review status: criteria provided, single submitter. Criteria: ACMG Guidelines, 2015. Collection method: clinical testing. Allele origin: germline.
Comment: The SEMA3A c.456C>G variant is predicted to result in the amino acid substitution p.Asp152Glu. To our knowledge, this variant has not been reported in the literature. This variant is reported in 0.0043% of alleles in individuals of Latino descent in gnomAD. At this time, the clinical significance of this variant is uncertain due to the absence of conclusive functional and genetic evidence.

Labcorp Genetics (formerly Invitae), Labcorp
Classification: Uncertain significance. Last evaluated: 2023-03-25. Review status: criteria provided, single submitter. Criteria: Invitae Variant Classification Sherloc (09022015). Collection method: clinical testing. Allele origin: germline.
Comment: This sequence change replaces aspartic acid, which is acidic and polar, with glutamic acid, which is acidic and polar, at codon 152 of the SEMA3A protein (p.Asp152Glu). The frequency data for this variant in the population databases is considered unreliable, as metrics indicate poor data quality at this position in the gnomAD database. In summary, the available evidence is currently insufficient to determine the role of this variant in disease. Therefore, it has been classified as a Variant of Uncertain Significance. An algorithm developed to predict the effect of missense changes on protein structure and function (PolyPhen-2) suggests that this variant is likely to be tolerated. This variant has not been reported in the literature in individuals affected with SEMA3A-related conditions.

NM_006080.3(SEMA3A):c.456C>G (p.Asp152Glu)

Gene: SEMA3A (semaphorin 3A; minus strand). Cytogenetic location: 7q21.11.
Variant type: single nucleotide variant.
Coding change: c.456C>G on transcript NM_006080.3 (MANE Select); coding-DNA position 456, C replaced by G.
Protein change: p.Asp152Glu; replaces aspartic acid 152 with glutamic acid.
Molecular consequence: missense variant.
Genome position (GRCh38, 1-based): chr7:84,060,556, G>C on the plus strand (C>G on the coding strand, the complement: SEMA3A is on the minus strand). VCF-style: chr7-84060556-G-C. GRCh37 (hg19) VCF-style: chr7-83689872-G-C.
Other names: short protein forms D152E.
Identifiers: ClinVar variation 2806348 (VCV002806348.4), dbSNP rs1476178402, ClinGen allele CA368022074.